The following is an entry in ClinVar:

NM_001365999.1(SZT2):c.10039C>A (p.Gln3347Lys)

Gene: SZT2 (SZT2 subunit of KICSTOR complex; plus strand). Cytogenetic location: 1p34.2.
Variant type: single nucleotide variant.
Coding change: c.10039C>A on transcript NM_001365999.1 (MANE Select); coding-DNA position 10039, C replaced by A.
Protein change: p.Gln3347Lys; replaces glutamine 3347 with lysine.
Molecular consequence: missense variant.
Genome position (GRCh38, 1-based): chr1:43,448,681, C>A. VCF-style: chr1-43448681-C-A. GRCh37 (hg19) VCF-style: chr1-43914352-C-A.
Other names: c.9868C>A, p.Gln3290Lys (NM_015284.4); c.9868C>A (NM_015284.3); short protein forms Q3347K, Q3290K.
Identifiers: ClinVar variation 1378243 (VCV001378243.5), dbSNP rs1655998891, ClinGen allele CA340046619.
Genomic context (GRCh38, chr1:43,448,681, plus strand): 5'-CTATCCATGACGGTCTCCTGGTACCAGAGCCTGATCAAAGTTCTCCTAAGCCGCTTCCCC[C>A]AGAGCTGTCGCCATTTCCAAAGCCCAGACTTGGGAACTCAGTACCTGGTAAGTCCCCTTG-3'
Protein context (NP_001352928.1, residues 3337-3357): LIKVLLSRFP[Gln3347Lys]SCRHFQSPDL

ClinVar aggregate classification (germline): Uncertain significance. Review status: criteria provided, multiple submitters, no conflicts (2 of 4 stars). 3 submissions from 3 submitters: Uncertain significance (3). Last evaluated 2023-04-10.

Conditions:
Inborn genetic diseases. Identifiers: MedGen C0950123, MeSH D030342.

Allele frequency attached by ClinVar (database versions not stated): gnomAD 0.00001; TOPMed 0.00001.
gnomAD v4.1: 9 of 1,614,098 alleles (0.00056%); highest among the groups gnomAD compares: Non-Finnish European, 0.00076%; no homozygotes.

Submissions (3):

GeneDx
Classification: Uncertain significance. Last evaluated: 2023-04-10. Review status: criteria provided, single submitter. Criteria: GeneDx Variant Classification Process June 2021. Collection method: clinical testing. Allele origin: germline. Affected: yes.
Comment: Not observed at significant frequency in large population cohorts (gnomAD); In silico analysis supports that this missense variant does not alter protein structure/function; Has not been previously published as pathogenic or benign to our knowledge

Ambry Genetics
Classification: Uncertain significance for Inborn genetic diseases. Last evaluated: 2022-12-01. Review status: criteria provided, single submitter. Criteria: Ambry Variant Classification Scheme 2023. Collection method: clinical testing. Allele origin: germline.

Labcorp Genetics (formerly Invitae), Labcorp
Classification: Uncertain significance. Last evaluated: 2022-03-12. Review status: criteria provided, single submitter. Criteria: Invitae Variant Classification Sherloc (09022015). Collection method: clinical testing. Allele origin: germline.
Comment: This sequence change replaces glutamine, which is neutral and polar, with lysine, which is basic and polar, at codon 3290 of the SZT2 protein (p.Gln3290Lys). This variant is not present in population databases (gnomAD no frequency). This variant has not been reported in the literature in individuals affected with SZT2-related conditions. Algorithms developed to predict the effect of missense changes on protein structure and function are either unavailable or do not agree on the potential impact of this missense change (SIFT: "Tolerated"; PolyPhen-2: "Probably Damaging"; Align-GVGD: "Class C0"). In summary, the available evidence is currently insufficient to determine the role of this variant in disease. Therefore, it has been classified as a Variant of Uncertain Significance.